The following is an entry in ClinVar:

NM_000494.4(COL17A1):c.2691del (p.Ser898fs)

Gene: COL17A1 (collagen type XVII alpha 1 chain; minus strand). Cytogenetic location: 10q25.1.
Variant type: Deletion.
Coding change: c.2691del on transcript NM_000494.4 (MANE Select); coding-DNA position 2691, one base deleted (G; older notation c.2691delG).
Protein change: p.Ser898fs; shifts the reading frame from serine 898.
Molecular consequence: frameshift variant.
Genome position (GRCh38, 1-based): chr10:104,041,075, C deleted on the plus strand (G on the coding strand, the reverse complement: COL17A1 is on the minus strand). VCF-style (leftmost placement, unchanged base first): chr10-104041074-AC-A. GRCh37 (hg19) VCF-style: chr10-105800832-AC-A.
Other names: short protein forms S898fs.
Identifiers: ClinVar variation 2717831 (VCV002717831.3), dbSNP rs1285670016, ClinGen allele CA595674389.

ClinVar aggregate classification (germline): Pathogenic (1 of 4 stars; one submission).

Allele frequency attached by ClinVar (database versions not stated): gnomAD exomes below 0.00001.

Submission:

Labcorp Genetics (formerly Invitae), Labcorp
Classification: Pathogenic. Last evaluated: 2023-05-28. Review status: criteria provided, single submitter. Criteria: Invitae Variant Classification Sherloc (09022015). Collection method: clinical testing. Allele origin: germline.
Comment: For these reasons, this variant has been classified as Pathogenic. This variant has not been reported in the literature in individuals affected with COL17A1-related conditions. This variant is present in population databases (no rsID available, gnomAD no frequency). This sequence change creates a premature translational stop signal (p.Ser898Profs*168) in the COL17A1 gene. It is expected to result in an absent or disrupted protein product. Loss-of-function variants in COL17A1 are known to be pathogenic (PMID: 16473856, 17344927, 20301304, 21357940, 24319098).

Literature cited by the submitters: PubMed 16473856; PubMed 17344927; PubMed 20301304; PubMed 21357940; PubMed 24319098.